The following is an entry in ClinVar:

NM_018486.3(HDAC8):c.933G>A (p.Thr311=)

Gene: HDAC8 (histone deacetylase 8; minus strand). Cytogenetic location: Xq13.1.
Variant type: single nucleotide variant.
Coding change: c.933G>A on transcript NM_018486.3 (MANE Select); coding-DNA position 933, G replaced by A.
Protein change: p.Thr311=; no amino-acid change (threonine 311 retained).
Molecular consequence: synonymous variant. On other transcripts: non-coding transcript variant (1).
Genome position (GRCh38, 1-based): chrX:72,462,076, C>T on the plus strand (G>A on the coding strand, the complement: HDAC8 is on the minus strand). VCF-style: chrX-72462076-C-T. GRCh37 (hg19) VCF-style: chrX-71681926-C-T.
Other names: c.660G>A, p.Thr220= (NM_001166418.2).
Identifiers: ClinVar variation 779831 (VCV000779831.11), dbSNP rs183108231, ClinGen allele CA10450123.

ClinVar aggregate classification (germline): Benign. Review status: criteria provided, single submitter (1 of 4 stars). 2 submissions from 2 submitters: Benign (1). 1 of the submissions does not count toward it. Last evaluated 2025-10-01.

Conditions:
Cornelia de Lange syndrome 5 (CDLS5). Also called: HDAC8-Related Cornelia de Lange Syndrome. Identifiers: Orphanet 199, MedGen C3550903, MONDO:0010471, OMIM 300882.
HDAC8-related disorder. Also called: HDAC8-related condition.

Allele frequency attached by ClinVar (database versions not stated): gnomAD exomes 0.00006 and 0.00012; ExAC 0.00018; ESP Exome Variant Server 0.00028; gnomAD 0.00029 and 0.00030; TOPMed 0.00033; 1000 Genomes Project 30x 0.00083; 1000 Genomes Project 0.00106.
gnomAD v4.1: 99 of 1,205,863 alleles (0.0082%); highest among the groups gnomAD compares: African/African-American, 0.1%; no homozygotes.

Submissions (2):

Labcorp Genetics (formerly Invitae), Labcorp
Classification: Benign for Cornelia de Lange syndrome 5. Last evaluated: 2025-10-01. Review status: criteria provided, single submitter. Criteria: Invitae Variant Classification Sherloc (09022015). Collection method: clinical testing. Allele origin: germline.

PreventionGenetics, part of Exact Sciences
Classification: Likely benign for HDAC8-related condition. Last evaluated: 2022-09-08. Review status: no assertion criteria provided. Collection method: clinical testing. Allele origin: germline. Not counted in ClinVar's aggregate classification.
Comment: This variant is classified as likely benign based on ACMG/AMP sequence variant interpretation guidelines (Richards et al. 2015 PMID: 25741868, with internal and published modifications).